The following is an entry in ClinVar:

ClinVar aggregate classification (germline): Conflicting classifications of pathogenicity. Review status: criteria provided, conflicting classifications (1 of 4 stars). 6 submissions from 6 submitters: Uncertain significance (2); Likely benign (3). 1 of the submissions does not count toward it. Last evaluated 2026-01-26.

Conditions:
Retinal dystrophy. Also called: Inherited retinal dystrophy. Identifiers: Orphanet 71862, MedGen C0854723, MeSH D058499, MONDO:0019118, HP:0000556.
Saldino-Mainzer syndrome (SRTD9). Also called: CONORENAL SYNDROME; SHORT-RIB THORACIC DYSPLASIA 9 WITHOUT POLYDACTYLY; short-rib thoracic dysplasia 9 with or without polydactyly; Renal dysplasia, retinal pigmentary dystrophy, cerebellar ataxia and skeletal dysplasia. Identifiers: Orphanet 140969, MedGen C1849437, MONDO:0009964, OMIM 266920.
IFT140-related disorder. Also called: IFT140-related condition.

Allele frequency attached by ClinVar (database versions not stated): gnomAD 0.00013; TOPMed 0.00021; ESP Exome Variant Server 0.00031; 1000 Genomes Project 0.00040; 1000 Genomes Project 30x 0.00047.
gnomAD v4.1: 95 of 1,611,704 alleles (0.0059%); highest among the groups gnomAD compares: East Asian, 0.053%; 1 homozygote.

Submissions (6):

Labcorp Genetics (formerly Invitae), Labcorp
Classification: Likely benign for Saldino-Mainzer syndrome. Last evaluated: 2026-01-26. Review status: criteria provided, single submitter. Criteria: Invitae Variant Classification Sherloc (09022015). Collection method: clinical testing. Allele origin: germline.

CeGaT Center for Human Genetics Tuebingen
Classification: Likely benign. Last evaluated: 2025-10-01. Review status: criteria provided, single submitter. Criteria: CeGaT Center For Human Genetics Tuebingen Variant Classification Criteria Version 2. Collection method: clinical testing. Allele origin: germline. Affected: yes. Observed: 1 variant allele.
Comment: IFT140: BP4, BP7

Blueprint Genetics
Classification: Likely benign. Last evaluated: 2024-11-01. Review status: criteria provided, single submitter. Criteria: ACMG Guidelines, 2015. Collection method: clinical testing. Allele origin: germline.

Dept Of Ophthalmology, Nagoya University
Classification: Uncertain significance for Retinal dystrophy. Last evaluated: 2023-10-01. Review status: criteria provided, single submitter. Criteria: Submitter's publication. Collection method: research. Allele origin: germline. Affected: yes.

Illumina Laboratory Services, Illumina
Classification: Uncertain significance for Saldino-Mainzer syndrome. Last evaluated: 2018-01-12. Review status: criteria provided, single submitter. Criteria: ICSL Variant Classification Criteria 13 December 2019. Collection method: clinical testing. Allele origin: germline.

PreventionGenetics, part of Exact Sciences
Classification: Likely benign for IFT140-related condition. Last evaluated: 2019-10-18. Review status: no assertion criteria provided. Collection method: clinical testing. Allele origin: germline. Not counted in ClinVar's aggregate classification.
Comment: This variant is classified as likely benign based on ACMG/AMP sequence variant interpretation guidelines (Richards et al. 2015 PMID: 25741868, with internal and published modifications).

NM_014714.4(IFT140):c.3147C>T (p.Asn1049=)

Gene: IFT140 (intraflagellar transport 140; minus strand). Cytogenetic location: 16p13.3.
Variant type: single nucleotide variant.
Coding change: c.3147C>T on transcript NM_014714.4 (MANE Select); coding-DNA position 3147, C replaced by T.
Protein change: p.Asn1049=; no amino-acid change (asparagine 1049 retained).
Molecular consequence: synonymous variant.
Genome position (GRCh38, 1-based): chr16:1,523,951, G>A on the plus strand (C>T on the coding strand, the complement: IFT140 is on the minus strand). VCF-style: chr16-1523951-G-A. GRCh37 (hg19) VCF-style: chr16-1573952-G-A.
Identifiers: ClinVar variation 318034 (VCV000318034.25), dbSNP rs150129370, ClinGen allele CA7813274.